The following is an entry in ClinVar:

ClinVar aggregate classification (germline): Uncertain significance. Review status: criteria provided, multiple submitters, no conflicts (2 of 4 stars). 2 submissions from 2 submitters: Uncertain significance (2). Last evaluated 2025-12-19.

Allele frequency attached by ClinVar (database versions not stated): gnomAD exomes 0.00002; gnomAD 0.00001; ExAC 0.00001; TOPMed 0.00002.
gnomAD v4.1: 32 of 1,613,040 alleles (0.002%); highest among the groups gnomAD compares: Admixed American, 0.005%; no homozygotes.

Submissions (2):

Labcorp Genetics (formerly Invitae), Labcorp
Classification: Uncertain significance. Last evaluated: 2025-12-19. Review status: criteria provided, single submitter. Criteria: Invitae Variant Classification Sherloc (09022015). Collection method: clinical testing. Allele origin: germline.
Comment: This sequence change replaces arginine, which is basic and polar, with tryptophan, which is neutral and slightly polar, at codon 1408 of the MYH7B protein (p.Arg1408Trp). This variant is present in population databases (rs746131334, gnomAD 0.006%). This variant has not been reported in the literature in individuals affected with MYH7B-related conditions. ClinVar contains an entry for this variant (Variation ID: 2689498). Invitae Evidence Modeling of protein sequence and biophysical properties (such as structural, functional, and spatial information, amino acid conservation, physicochemical variation, residue mobility, and thermodynamic stability) indicates that this missense variant is expected to disrupt MYH7B protein function with a positive predictive value of 80%. In summary, the available evidence is currently insufficient to determine the role of this variant in disease. Therefore, it has been classified as a Variant of Uncertain Significance.

Revvity Omics, Revvity
Classification: Uncertain significance. Last evaluated: 2021-05-04. Review status: criteria provided, single submitter. Criteria: ACMG Guidelines, 2015. Collection method: clinical testing. Allele origin: germline.

NM_020884.7(MYH7B):c.4096C>T (p.Arg1366Trp)

Gene: MYH7B (myosin heavy chain 7B; plus strand). Cytogenetic location: 20q11.22.
Variant type: single nucleotide variant.
Coding change: c.4096C>T on transcript NM_020884.7 (MANE Select); coding-DNA position 4096, C replaced by T.
Protein change: p.Arg1366Trp; replaces arginine 1366 with tryptophan.
Molecular consequence: missense variant.
Genome position (GRCh38, 1-based): chr20:34,998,821, C>T. VCF-style: chr20-34998821-C-T. GRCh37 (hg19) VCF-style: chr20-33586624-C-T.
Other names: short protein forms R1366W.
Identifiers: ClinVar variation 2689498 (VCV002689498.4), dbSNP rs746131334, ClinGen allele CA9827996.